The following is an entry in ClinVar:

ClinVar aggregate classification (germline): Uncertain significance (1 of 4 stars; one submission).

Submission:

Women's Health and Genetics/Laboratory Corporation of America, LabCorp
Classification: Uncertain significance. Last evaluated: 2026-02-16. Review status: criteria provided, single submitter. Criteria: LabCorp Variant Classification Summary - May 2015. Collection method: clinical testing. Allele origin: germline.
Comment: Variant summary: COL4A6 c.3997A>T (p.Met1333Leu) results in a conservative amino acid change in the encoded protein sequence. Algorithms developed to predict the effect of missense changes on protein structure and function are either unavailable or do not agree on the potential impact of this missense change. The variant allele was found at a frequency of 1.1e-05 in 183296 control chromosomes. The available data on variant occurrences in the general population are insufficient to allow any conclusion about variant significance. To our knowledge, no occurrence of c.3997A>T in individuals affected with COL4A6-related conditions and no experimental evidence demonstrating its impact on protein function have been reported. No submitters have cited clinical-significance assessments for this variant to ClinVar. Based on the evidence outlined above, the variant was classified as uncertain significance.

NM_033641.4(COL4A6):c.3994A>T (p.Met1332Leu)

Gene: COL4A6 (collagen type IV alpha 6 chain; minus strand). Cytogenetic location: Xq22.3.
Variant type: single nucleotide variant.
Coding change: c.3994A>T on transcript NM_033641.4 (MANE Select); coding-DNA position 3994, A replaced by T.
Protein change: p.Met1332Leu; replaces methionine 1332 with leucine.
Molecular consequence: missense variant. On other transcripts: intron variant (1).
Genome position (GRCh38, 1-based): chrX:108,164,675, T>A on the plus strand (A>T on the coding strand, the complement: COL4A6 is on the minus strand). VCF-style: chrX-108164675-T-A. GRCh37 (hg19) VCF-style: chrX-107407905-T-A.
Other names: c.4045A>T, p.Met1349Leu (NM_001287758.2); c.3922A>T, p.Met1308Leu (NM_001287759.2); c.3997A>T, p.Met1333Leu (NM_001847.4); c.3898+202A>T (NM_001287760.2); short protein forms M1308L, M1332L, M1333L, M1349L.
Identifiers: ClinVar variation 4848329 (VCV004848329.1).